The following is an entry in ClinVar:

NM_001355436.2(SPTB):c.4984A>G (p.Ile1662Val)

Gene: SPTB (spectrin beta, erythrocytic; minus strand). Cytogenetic location: 14q23.3.
Variant type: single nucleotide variant.
Coding change: c.4984A>G on transcript NM_001355436.2 (MANE Select); coding-DNA position 4984, A replaced by G.
Protein change: p.Ile1662Val; replaces isoleucine 1662 with valine.
Molecular consequence: missense variant.
Genome position (GRCh38, 1-based): chr14:64,773,414, T>C on the plus strand (A>G on the coding strand, the complement: SPTB is on the minus strand). VCF-style: chr14-64773414-T-C. GRCh37 (hg19) VCF-style: chr14-65240132-T-C.
Other names: c.4984A>G, p.Ile1662Val (NM_001355437.2, NM_001024858.4); short protein forms I1662V.
Identifiers: ClinVar variation 5040196 (VCV005040196.1).
Genomic context (GRCh38, chr14:64,773,414, plus strand): 5'-GCTCTTCCGCCACGTCCTTCAGCCCTGCGTAGTGCTTGTCCACTTGCCCCTGAAGTCTGA[T>C]GATCTGTTCCCTGGAATTCAAAACCAAAAAGGCCCTCAGAGACGGCAGCCACGAACCCAG-3'
Protein context (NP_001342365.1, residues 1652-1672): SAGHPEGEQI[Ile1662Val]RLQGQVDKHY

ClinVar aggregate classification (germline): Uncertain significance (1 of 4 stars; one submission).

Submission:

CeGaT Center for Human Genetics Tuebingen
Classification: Uncertain significance. Last evaluated: 2026-07-01. Review status: criteria provided, single submitter. Criteria: CeGaT Center For Human Genetics Tuebingen Variant Classification Criteria Version 2. Collection method: clinical testing. Allele origin: germline. Affected: yes. Observed: 2 variant alleles.
Comment: SPTB: PM2, BP4